The following is an entry in ClinVar:

ClinVar aggregate classification (germline): Likely benign. Review status: criteria provided, multiple submitters, no conflicts (2 of 4 stars). 3 submissions from 3 submitters: Likely benign (3). Last evaluated 2025-11-10.

Conditions:
Cardiovascular phenotype. Identifiers: MedGen CN230736.
Dilated cardiomyopathy 1G (CMD1G). Identifiers: Orphanet 154, MedGen C1858763, MONDO:0011400, OMIM 604145.
Autosomal recessive limb-girdle muscular dystrophy type 2J (LGMDR10). Also called: MUSCULAR DYSTROPHY, LIMB-GIRDLE, AUTOSOMAL RECESSIVE 10; Limb-girdle muscular dystrophy, type 2J. Identifiers: Orphanet 140922, MedGen C1837342, MONDO:0012127, OMIM 608807.

Allele frequency attached by ClinVar (database versions not stated): gnomAD exomes below 0.00001 and 0.00001; gnomAD 0.00001; TOPMed 0.00001.
gnomAD v4.1: 17 of 1,612,708 alleles (0.0011%); highest among the groups gnomAD compares: Non-Finnish European, 0.0014%; no homozygotes.

Submissions (3):

Labcorp Genetics (formerly Invitae), Labcorp
Classification: Likely benign for Dilated cardiomyopathy 1G; Autosomal recessive limb-girdle muscular dystrophy type 2J. Last evaluated: 2025-11-10. Review status: criteria provided, single submitter. Criteria: Invitae Variant Classification Sherloc (09022015). Collection method: clinical testing. Allele origin: germline.

Ambry Genetics
Classification: Likely benign for Cardiovascular phenotype. Last evaluated: 2019-10-07. Review status: criteria provided, single submitter. Criteria: Ambry Variant Classification Scheme 2023. Collection method: clinical testing. Allele origin: germline.

GeneDx
Classification: Likely benign. Last evaluated: 2018-03-05. Review status: criteria provided, single submitter. Criteria: GeneDx Variant Classification (06012015). Collection method: clinical testing. Allele origin: germline. Affected: yes.
Comment: This variant is considered likely benign or benign based on one or more of the following criteria: it is a conservative change, it occurs at a poorly conserved position in the protein, it is predicted to be benign by multiple in silico algorithms, and/or has population frequency not consistent with disease.

NM_001267550.2(TTN):c.73695A>G (p.Ala24565=)

Genes: TTN (titin; minus strand), TTN-AS1 (TTN antisense RNA 1; plus strand). Cytogenetic location: 2q31.2.
Variant type: single nucleotide variant.
Coding change: c.73695A>G on transcript NM_001267550.2 (MANE Select); coding-DNA position 73695, A replaced by G.
Protein change: p.Ala24565=; no amino-acid change (alanine 24565 retained).
Molecular consequence: synonymous variant.
Genome position (GRCh38, 1-based): chr2:178,572,437, T>C on the plus strand (A>G on the coding strand, the complement: TTN is on the minus strand). VCF-style: chr2-178572437-T-C. GRCh37 (hg19) VCF-style: chr2-179437164-T-C.
Other names: c.68772A>G, p.Ala22924= (NM_001256850.1); c.46500A>G, p.Ala15500= (NM_003319.4); c.65991A>G, p.Ala21997= (NM_133378.4); c.46875A>G, p.Ala15625= (NM_133432.3); c.47076A>G, p.Ala15692= (NM_133437.4).
Identifiers: ClinVar variation 680317 (VCV000680317.12), dbSNP rs1358326550, ClinGen allele CA430255740.